The following is an entry in ClinVar:

NM_001199138.2(NLRC4):c.1083G>A (p.Thr361=)

Gene: NLRC4 (NLR family CARD domain containing 4; minus strand). Cytogenetic location: 2p22.3.
Variant type: single nucleotide variant.
Coding change: c.1083G>A on transcript NM_001199138.2 (MANE Select); coding-DNA position 1083, G replaced by A.
Protein change: p.Thr361=; no amino-acid change (threonine 361 retained).
Molecular consequence: synonymous variant. On other transcripts: intron variant (1).
Genome position (GRCh38, 1-based): chr2:32,250,781, C>T on the plus strand (G>A on the coding strand, the complement: NLRC4 is on the minus strand). VCF-style: chr2-32250781-C-T. GRCh37 (hg19) VCF-style: chr2-32475850-C-T.
Other names: c.1083G>A, p.Thr361= (NM_001199139.2, NM_021209.5); c.262+1638G>A (NM_001302504.1).
Identifiers: ClinVar variation 721224 (VCV000721224.25), dbSNP rs146516795, ClinGen allele CA1602043.

ClinVar aggregate classification (germline): Benign/Likely benign. Review status: criteria provided, multiple submitters, no conflicts (2 of 4 stars). 5 submissions from 5 submitters: Benign (1); Likely benign (3). 1 of the submissions does not count toward it. Last evaluated 2026-01-26.

Conditions:
Autoinflammatory syndrome. Identifiers: Orphanet 93665, MedGen C3890737, MONDO:0019751.
Periodic fever-infantile enterocolitis-autoinflammatory syndrome. Also called: Autoinflammation with infantile enterocolitis. Identifiers: Orphanet 436166, MedGen C4015067, MONDO:0014472, OMIM 616050.
Familial cold autoinflammatory syndrome 4 (FCAS4). Identifiers: Orphanet 47045, Orphanet 576349, MedGen C4015276, MONDO:0014498, OMIM 616115.
NLRC4-related disorder. Also called: NLRC4-related condition.

Allele frequency attached by ClinVar (database versions not stated): TOPMed 0.00027; 1000 Genomes Project 30x 0.00172; gnomAD 0.00033 and 0.00023; ExAC 0.00052; gnomAD exomes 0.00062; ESP Exome Variant Server 0.00015; 1000 Genomes Project 0.00180.
gnomAD v4.1: 614 of 1,614,146 alleles (0.038%); highest among the groups gnomAD compares: East Asian, 1.1%; 4 homozygotes.

Submissions (5):

Labcorp Genetics (formerly Invitae), Labcorp
Classification: Benign for Periodic fever-infantile enterocolitis-autoinflammatory syndrome; Familial cold autoinflammatory syndrome 4. Last evaluated: 2026-01-26. Review status: criteria provided, single submitter. Criteria: Invitae Variant Classification Sherloc (09022015). Collection method: clinical testing. Allele origin: germline.

CeGaT Center for Human Genetics Tuebingen
Classification: Likely benign. Last evaluated: 2025-07-01. Review status: criteria provided, single submitter. Criteria: CeGaT Center For Human Genetics Tuebingen Variant Classification Criteria Version 2. Collection method: clinical testing. Allele origin: germline. Affected: yes. Observed: 1 variant allele.
Comment: NLRC4: BP4, BP7, BS1

Blueprint Genetics
Classification: Likely benign. Last evaluated: 2024-10-07. Review status: criteria provided, single submitter. Criteria: ACMG Guidelines, 2015. Collection method: clinical testing. Allele origin: germline.

Genome Diagnostics Laboratory, The Hospital for Sick Children
Classification: Likely benign for Autoinflammatory syndrome. Last evaluated: 2019-06-01. Review status: criteria provided, single submitter. Criteria: ACMG Guidelines, 2015. Collection method: clinical testing. Allele origin: germline. Affected: yes.

PreventionGenetics, part of Exact Sciences
Classification: Benign for NLRC4-related condition. Last evaluated: 2019-04-09. Review status: no assertion criteria provided. Collection method: clinical testing. Allele origin: germline. Not counted in ClinVar's aggregate classification.
Comment: This variant is classified as benign based on ACMG/AMP sequence variant interpretation guidelines (Richards et al. 2015 PMID: 25741868, with internal and published modifications).